The following is an entry in ClinVar:

ClinVar aggregate classification (germline): Conflicting classifications of pathogenicity. Review status: criteria provided, conflicting classifications (1 of 4 stars). 4 submissions from 4 submitters: Uncertain significance (2); Likely benign (2). Last evaluated 2026-01-14.

Conditions:
Progressive external ophthalmoplegia with mitochondrial DNA deletions, autosomal recessive 3 (PEOB3). Also called: PROGRESSIVE EXTERNAL OPHTHALMOPLEGIA, AUTOSOMAL RECESSIVE 3. Identifiers: Orphanet 254886, MedGen C4310734, MONDO:0014898, OMIM 617069.
Mitochondrial DNA depletion syndrome, myopathic form (MTDPS2). Also called: MITOCHONDRIAL DNA DEPLETION SYNDROME 2 (MYOPATHIC TYPE); MITOCHONDRIAL DNA DEPLETION MYOPATHY, TK2-RELATED; TK2-Related Mitochondrial DNA Maintenance Defect, Myopathic Form. Identifiers: Orphanet 254875, MedGen C3149750, MONDO:0012301, OMIM 609560.
Mitochondrial disease. Also called: Mitochondrial disorder; Mitochondrial disorders. Identifiers: Orphanet 68380, MedGen C0751651, MeSH D028361, MONDO:0044970.

gnomAD v4.1: 63 of 1,614,026 alleles (0.0039%); highest among the groups gnomAD compares: East Asian, 0.14%; no homozygotes.

Submissions (4):

Labcorp Genetics (formerly Invitae), Labcorp
Classification: Likely benign. Last evaluated: 2026-01-14. Review status: criteria provided, single submitter. Criteria: Invitae Variant Classification Sherloc (09022015). Collection method: clinical testing. Allele origin: germline.

Genomenon, Inc
Classification: Likely benign for Mitochondrial disease. Last evaluated: 2025-11-24. Review status: criteria provided, single submitter. Criteria: Genomenon Sequence Variant Interpretation Standards - Updated. Collection method: curation. Allele origin: germline. Affected: yes.
Comment: TK2 p.Arg123Gly (c.367C>G) is a missense variant that changes the amino acid at residue 123 from Arginine to Glycine. This variant has been observed in multiple probands affected with mitochondrial disease in the compound heterozygous state (34484922, 35289132). This variant’s allele frequency in gnomAD is greater than expected for this disorder. In conclusion, we classify TK2 p.Arg123Gly (c.367C>G) as a likely benign variant.

Blueprint Genetics
Classification: Uncertain significance. Last evaluated: 2024-10-21. Review status: criteria provided, single submitter. Criteria: ACMG Guidelines, 2015. Collection method: clinical testing. Allele origin: germline.

Fulgent Genetics
Classification: Uncertain significance for Mitochondrial DNA depletion syndrome, myopathic form; Progressive external ophthalmoplegia with mitochondrial DNA deletions, autosomal recessive 3. Last evaluated: 2024-05-14. Review status: criteria provided, single submitter. Criteria: ACMG Guidelines, 2015. Collection method: clinical testing. Allele origin: germline.

Literature cited by the submitters: PubMed 34484922 (cited by Genomenon, Inc); PubMed 35289132 (cited by Genomenon, Inc).

NM_004614.5(TK2):c.367C>G (p.Arg123Gly)

Gene: TK2 (thymidine kinase 2; minus strand). Cytogenetic location: 16q21.
Variant type: single nucleotide variant.
Coding change: c.367C>G on transcript NM_004614.5 (MANE Select); coding-DNA position 367, C replaced by G.
Protein change: p.Arg123Gly; replaces arginine 123 with glycine.
Molecular consequence: missense variant. On other transcripts: non-coding transcript variant (1).
Genome position (GRCh38, 1-based): chr16:66,531,388, G>C on the plus strand (C>G on the coding strand, the complement: TK2 is on the minus strand). VCF-style: chr16-66531388-G-C. GRCh37 (hg19) VCF-style: chr16-66565291-G-C.
Other names: c.367C>G (NM_004614.4); c.274C>G, p.Arg92Gly (NM_001172643.1, NM_001271935.1); c.292C>G, p.Arg98Gly (NM_001172644.2); c.313C>G, p.Arg105Gly (NM_001172645.2); c.220C>G, p.Arg74Gly (NM_001271934.2); c.76C>G, p.Arg26Gly (NM_001272050.2); short protein forms R105G, R123G, R26G, R74G, R92G, R98G.
Identifiers: ClinVar variation 1643070 (VCV001643070.12), dbSNP rs753881948, ClinGen allele CA8093704.